The following is an entry in ClinVar:

NM_007327.4(GRIN1):c.2444-2_2448del

Gene: GRIN1 (glutamate ionotropic receptor NMDA type subunit 1; plus strand). Cytogenetic location: 9q34.3.
Variant type: Deletion.
Coding change: c.2444-2_2448del on transcript NM_007327.4 (MANE Select); the canonical splice acceptor site of the intron before coding-DNA position 2444 through coding-DNA position 2448, 7 bases deleted (AGGGGTC; older notation c.2444-2_2448delAGGGGTC).
Molecular consequence: splice acceptor variant.
Genome position (GRCh38, 1-based): chr9:137,163,757-137,163,763, AGGGGTC deleted; deleting any 7 consecutive bases within chr9:137,163,756-137,163,763 gives the same sequence; the c. name uses the placement nearest the transcript's 3' end. VCF-style (leftmost placement, unchanged base first): chr9-137163755-ACAGGGGT-A. GRCh37 (hg19) VCF-style: chr9-140058207-ACAGGGGT-A.
Other names: c.2507-2_2511del (NM_001185090.2, NM_001185091.2); c.2444-2_2448del (NM_021569.4, NM_000832.7).
Identifiers: ClinVar variation 2835750 (VCV002835750.3), dbSNP rs2538649199, ClinGen allele CA2739265230.

ClinVar aggregate classification (germline): Likely pathogenic (1 of 4 stars; one submission).

Conditions:
Neurodevelopmental disorder with or without hyperkinetic movements and seizures, autosomal dominant. Also called: Intellectual disability, autosomal dominant 8. Identifiers: MedGen C3280282, MONDO:0013655, OMIM 614254.

Submission:

Labcorp Genetics (formerly Invitae), Labcorp
Classification: Likely pathogenic for Neurodevelopmental disorder with or without hyperkinetic movements and seizures, autosomal dominant. Last evaluated: 2023-02-09. Review status: criteria provided, single submitter. Criteria: Invitae Variant Classification Sherloc (09022015). Collection method: clinical testing. Allele origin: germline.
Comment: This variant has not been reported in the literature in individuals affected with GRIN1-related conditions. Algorithms developed to predict the effect of sequence changes on RNA splicing suggest that this variant may disrupt the consensus splice site. In summary, the currently available evidence indicates that the variant is pathogenic, but additional data are needed to prove that conclusively. Therefore, this variant has been classified as Likely Pathogenic. This variant is not present in population databases (gnomAD no frequency). This variant results in the deletion of part of exon 18 (c.2444-2_2448del) of the GRIN1 gene. It is expected to disrupt RNA splicing. Variants that disrupt the donor or acceptor splice site typically lead to a loss of protein function (PMID: 16199547), and loss-of-function variants in GRIN1 are known to be pathogenic (PMID: 27164704, 35393335).

Literature cited by the submitters: PubMed 16199547; PubMed 27164704; PubMed 35393335.